The following is an entry in ClinVar:

ClinVar aggregate classification (germline): Uncertain significance (1 of 4 stars; one submission).

Submission:

Ambry Genetics
Classification: Uncertain significance. Last evaluated: 2025-09-07. Review status: criteria provided, single submitter. Criteria: Ambry Variant Classification Scheme 2023. Collection method: clinical testing. Allele origin: germline.
Comment: The p.R203S variant (also known as c.609G>T), located in coding exon 4 of the ATRIP gene, results from a G to T substitution at nucleotide position 609. The arginine at codon 203 is replaced by serine, an amino acid with dissimilar properties. This amino acid position is conserved. In addition, this alteration is predicted to be deleterious by in silico analysis. Based on the available evidence, the clinical significance of this variant remains unclear.

NM_130384.3(ATRIP):c.609G>T (p.Arg203Ser)

Genes: ATRIP (ATR interacting protein; plus strand), ATRIP-TREX1 (ATRIP-TREX1 readthrough; plus strand). Cytogenetic location: 3p21.31.
Variant type: single nucleotide variant.
Coding change: c.609G>T on transcript NM_130384.3 (MANE Select); coding-DNA position 609, G replaced by T.
Protein change: p.Arg203Ser; replaces arginine 203 with serine.
Molecular consequence: missense variant. On other transcripts: non-coding transcript variant (1).
Genome position (GRCh38, 1-based): chr3:48,454,356, G>T. VCF-style: chr3-48454356-G-T. GRCh37 (hg19) VCF-style: chr3-48495756-G-T.
Other names: c.228G>T, p.Arg76Ser (NM_001271022.2); c.330G>T, p.Arg110Ser (NM_001271023.2); c.609G>T, p.Arg203Ser (NM_032166.4); short protein forms R203S, R110S, R76S.
Identifiers: ClinVar variation 4182768 (VCV004182768.1).
Genomic context (GRCh38, chr3:48,454,356, plus strand): 5'-CCAGCTCCAATCATTGCAGTCTGAACTCCAGTTTAAAGATGCAGAGATGAATGAATTAAG[G>T]ACAAAGCTCCAGACCAGTGAACGAGCAAATAAACTGGCTGCTCCCTCTGTTTCCCATGTC-3'
Protein context (NP_569055.1, residues 193-213): QFKDAEMNEL[Arg203Ser]TKLQTSERAN